The following is an entry in ClinVar:

ClinVar aggregate classification (germline): Uncertain significance (1 of 4 stars; one submission).

Conditions:
Werner syndrome (WRN). Identifiers: Orphanet 902, MedGen C0043119, MONDO:0010196, OMIM 277700.

Submission:

Labcorp Genetics (formerly Invitae), Labcorp
Classification: Uncertain significance for Werner syndrome. Last evaluated: 2025-09-03. Review status: criteria provided, single submitter. Criteria: Invitae Variant Classification Sherloc (09022015). Collection method: clinical testing. Allele origin: germline.
Comment: This sequence change replaces asparagine, which is neutral and polar, with isoleucine, which is neutral and non-polar, at codon 885 of the WRN protein (p.Asn885Ile). This variant is not present in population databases (gnomAD no frequency). This variant has not been reported in the literature in individuals affected with WRN-related conditions. An algorithm developed to predict the effect of missense changes on protein structure and function (PolyPhen-2) suggests that this variant is likely to be disruptive. In summary, the available evidence is currently insufficient to determine the role of this variant in disease. Therefore, it has been classified as a Variant of Uncertain Significance.

NM_000553.6(WRN):c.2654A>T (p.Asn885Ile)

Gene: WRN (WRN RecQ like helicase; plus strand). Cytogenetic location: 8p12.
Variant type: single nucleotide variant.
Coding change: c.2654A>T on transcript NM_000553.6 (MANE Select); coding-DNA position 2654, A replaced by T.
Protein change: p.Asn885Ile; replaces asparagine 885 with isoleucine.
Molecular consequence: missense variant.
Genome position (GRCh38, 1-based): chr8:31,124,545, A>T. VCF-style: chr8-31124545-A-T. GRCh37 (hg19) VCF-style: chr8-30982061-A-T.
Other names: short protein forms N885I.
Identifiers: ClinVar variation 4805034 (VCV004805034.1).
Genomic context (GRCh38, chr8:31,124,545, plus strand): 5'-CAGTTTTACATATTCCTGTGATGTTTTTAATCGACAGGCACCTTCTTACTGAGATACGTA[A>T]TGAGAAGTTTCGATTATACAAATTAAAGATGATGGCAAAGATGGAAAAATATCTTCATTC-3'
Protein context (NP_000544.2, residues 875-895): LNRHLLTEIR[Asn885Ile]EKFRLYKLKM